The following is an entry in ClinVar:

NM_152564.5(VPS13B):c.3348_3349del (p.Cys1117fs)

Gene: VPS13B (vacuolar protein sorting 13 homolog B; plus strand). Cytogenetic location: 8q22.2.
Variant type: Microsatellite.
Coding change: c.3348_3349del on transcript NM_152564.5 (MANE Select); coding-DNA positions 3348 to 3349, 2 bases deleted (CT; older notation c.3348_3349delCT).
Protein change: p.Cys1117fs; shifts the reading frame from cysteine 1117.
Molecular consequence: frameshift variant.
Genome position (GRCh38, 1-based): chr8:99,442,538-99,442,539, CT deleted; deleting any 2 consecutive bases within chr8:99,442,536-99,442,539 gives the same sequence; the c. name uses the placement nearest the transcript's 3' end. VCF-style (leftmost placement, unchanged base first): chr8-99442535-CCT-C. GRCh37 (hg19) VCF-style: chr8-100454763-CCT-C.
Other names: c.3348_3349del, p.Cys1117fs (NM_017890.5); c.3348_3349delCT (NM_017890.4, NM_017890.5, NM_152564.4); short protein forms C1117fs.
Identifiers: ClinVar variation 2818 (VCV000002818.61), dbSNP rs180177327, ClinGen allele CA252422.
Genomic context (GRCh38, chr8:99,442,535, plus strand): 5'-CATTCCTGGAACAGTAAGAAGTTGGTACCATGGACAAACCAGCATGCCGGGAACACTTGT[CCT>C]CTGTTTGCCTCAAATAAAGATTATTAGTGCTGGGCACAAGTATATGGAACCTCTGCAGGA-3'

ClinVar aggregate classification (germline): Pathogenic. Review status: criteria provided, multiple submitters, no conflicts (2 of 4 stars). 11 submissions from 11 submitters: Pathogenic (8). 3 of the submissions do not count toward it. Last evaluated 2026-05-26.

Conditions:
VPS13B-related disorder. Also called: VPS13B-related condition.
Cohen syndrome (COH1). Also called: Cutis verticis gyrata, retinitis pigmentosa, and sensorineural deafness; PEPPER SYNDROME. Identifiers: Orphanet 193, MedGen C0265223, MONDO:0008999, OMIM 216550.

Submissions (11):

PreventionGenetics, part of Exact Sciences
Classification: Pathogenic for VPS13B-related condition. Last evaluated: 2026-05-26. Review status: criteria provided, single submitter. Criteria: ACMG Guidelines, 2015. Collection method: clinical testing. Allele origin: germline.
Comment: The VPS13B c.3348_3349delCT variant is predicted to result in a frameshift and premature protein termination (p.Cys1117Phefs*8). This variant has been reported as a Finnish founder variant in individuals with Cohen syndrome (Kolehmainen et al. 2003. PubMed ID: 12730828; Kolehmainen et al. 2004. PubMed ID: 15141358). This variant is reported in 0.26% of alleles in individuals of European (Finnish) descent in gnomAD. Frameshift variants in VPS13B are expected to be pathogenic. This variant is interpreted as pathogenic.

Labcorp Genetics (formerly Invitae), Labcorp
Classification: Pathogenic for Cohen syndrome. Last evaluated: 2026-01-20. Review status: criteria provided, single submitter. Criteria: Invitae Variant Classification Sherloc (09022015). Collection method: clinical testing. Allele origin: germline.
Comment: This sequence change creates a premature translational stop signal (p.Cys1117Phefs*8) in the VPS13B gene. It is expected to result in an absent or disrupted protein product. Loss-of-function variants in VPS13B are known to be pathogenic (PMID: 15141358, 16648375, 20461111). This variant is present in population databases (rs774683328, gnomAD 0.3%). This premature translational stop signal has been observed in individual(s) with Cohen syndrome (PMID: 12730828, 15141358). For these reasons, this variant has been classified as Pathogenic.

Blueprint Genetics
Classification: Pathogenic for VPS13B-related disorders. Last evaluated: 2024-10-04. Review status: criteria provided, single submitter. Criteria: ACMG Guidelines, 2015. Collection method: clinical testing. Allele origin: germline. Affected: yes. Observed: 5 variant alleles.

Natera, Inc.
Classification: Pathogenic for Cohen syndrome. Last evaluated: 2024-09-26. Review status: criteria provided, single submitter. Criteria: Natera Variant Classification Schema (03/2026). Collection method: clinical testing. Allele origin: germline.
Comment: The c.3348_3349delCT variant in VPS13B is a frameshift variant predicted to shift the reading frame beginning at codon 1117 and leads to a stop codon 8 codons downstream. This variant is expected to result in nonsense mediated decay, truncation, or a dysfunctional protein product. This variant has been observed in one or more individuals affected with the associated recessive disease, as either homozygous or compound heterozygous with a second variant (PMID: 12730828). Given the available evidence, this variant is classified as Pathogenic.

Genetics and Molecular Pathology, SA Pathology
Classification: Pathogenic for Cohen syndrome. Last evaluated: 2023-04-26. Review status: criteria provided, single submitter. Criteria: ACMG Guidelines, 2015. Collection method: clinical testing. Allele origin: germline. Affected: yes.

Women's Health and Genetics/Laboratory Corporation of America, LabCorp
Classification: Pathogenic for Cohen syndrome. Last evaluated: 2021-03-17. Review status: criteria provided, single submitter. Criteria: LabCorp Variant Classification Summary - May 2015. Collection method: clinical testing. Allele origin: germline.
Comment: Variant summary: VPS13B c.3348_3349delCT (p.Cys1117PhefsX8) results in a premature termination codon, predicted to cause a truncation of the encoded protein or absence of the protein due to nonsense mediated decay, which are commonly known mechanisms for disease. Truncations downstream of this position have been classified as pathogenic by our laboratory. The variant allele was found at a frequency of 0.00023 in 251260 control chromosomes. c.3348_3349delCT has been reported in the literature as a recurrent Finnish founder variant in multiple individuals affected with Cohen Syndrome (Kolehmainen_2003) and has been subsequently cited by others in the field (example, Enomoto_2020, Kondo_2005, Lou_2020, Nasser_2020). These data indicate that the variant is very likely to be associated with disease. To our knowledge, no experimental evidence demonstrating an impact on protein function has been reported. Three clinical diagnostic laboratories have submitted clinical-significance assessments for this variant to ClinVar after 2014 without evidence for independent evaluation. All laboratories classified the variant as pathogenic. Based on the evidence outlined above, the variant was classified as pathogenic.

Myriad Genetics, Inc.
Classification: Pathogenic for Cohen syndrome. Last evaluated: 2019-12-09. Review status: criteria provided, single submitter. Criteria: Myriad Women's Health Autosomal Recessive and X-Linked Classification Criteria (2019). Collection method: clinical testing. Allele origin: unknown.
Comment: NM_017890.4(VPS13B):c.3348_3349delCT(C1117Ffs*8) is classified as pathogenic in the context of Cohen syndrome. Sources cited for classification include the following: PMID 12730828 and 15141358. Classification of NM_017890.4(VPS13B):c.3348_3349delCT(C1117Ffs*8) is based on the following criteria: The variant causes a premature termination codon that is expected to be targeted by nonsense-mediated mRNA decay and is reported in individuals with the relevant phenotype. Please note: this variant was assessed in the context of healthy population screening.

CeGaT Center for Human Genetics Tuebingen
Classification: Pathogenic. Last evaluated: 2019-10-01. Review status: criteria provided, single submitter. Criteria: CeGaT Center For Human Genetics Tuebingen Variant Classification Criteria Version 2. Collection method: clinical testing. Allele origin: germline. Affected: yes. Observed: 2 variant alleles.

OMIM
Classification: Pathogenic for COHEN SYNDROME. Last evaluated: 2003-06-01. Review status: no assertion criteria provided. Collection method: literature only. Allele origin: germline. Not counted in ClinVar's aggregate classification.

GeneReviews
No classification provided. Condition: Cohen syndrome. Review status: no classification provided. Collection method: literature only. Allele origin: germline. Affected: yes. Not counted in ClinVar's aggregate classification.

SNPedia
No classification provided. Review status: no classification provided. Collection method: not provided. Allele origin: germline. Not counted in ClinVar's aggregate classification.

Literature cited by the submitters: PubMed 15141358 (cited by Labcorp Genetics (formerly Invitae), Labcorp and Myriad Genetics, Inc.); PubMed 16648375 (cited by Labcorp Genetics (formerly Invitae), Labcorp); PubMed 20461111 (cited by Labcorp Genetics (formerly Invitae), Labcorp); PubMed 12730828 (cited by 5 submitters); PubMed 30602132 (cited by Women's Health and Genetics/Laboratory Corporation of America, LabCorp); PubMed 15691367 (cited by Women's Health and Genetics/Laboratory Corporation of America, LabCorp); PubMed 33025479 (cited by Women's Health and Genetics/Laboratory Corporation of America, LabCorp); PubMed 31580008 (cited by Women's Health and Genetics/Laboratory Corporation of America, LabCorp); NCBI Bookshelf NBK1482 (cited by GeneReviews).